The following is an entry in ClinVar:

NM_000342.4(SLC4A1):c.2008C>G (p.Pro670Ala)

Gene: SLC4A1 (solute carrier family 4 member 1 (Diego blood group); minus strand). Cytogenetic location: 17q21.31.
Variant type: single nucleotide variant.
Coding change: c.2008C>G on transcript NM_000342.4 (MANE Select); coding-DNA position 2008, C replaced by G.
Protein change: p.Pro670Ala; replaces proline 670 with alanine.
Molecular consequence: missense variant.
Genome position (GRCh38, 1-based): chr17:44,254,545, G>C on the plus strand (C>G on the coding strand, the complement: SLC4A1 is on the minus strand). VCF-style: chr17-44254545-G-C. GRCh37 (hg19) VCF-style: chr17-42331913-G-C.
Other names: short protein forms P670A.
Identifiers: ClinVar variation 1500042 (VCV001500042.4), dbSNP rs199929662, ClinGen allele CA290928466.
Genomic context (GRCh38, chr17:44,254,545, plus strand): 5'-CTGTCTCTCACGTGGTGATCTGAGACTCCAGGAATATGAGGATGAAGACCAGCAGAGCAG[G>C]CAGGGCGGAGGCAAACATCATCCAGATGGGAAACTCGGAACGCAAGCCCAGTGGGTGGAT-3'
Protein context (NP_000333.1, residues 660-680): PIWMMFASAL[Pro670Ala]ALLVFILIFL

ClinVar aggregate classification (germline): Uncertain significance (1 of 4 stars; one submission).

Allele frequency attached by ClinVar (database versions not stated): gnomAD 0.00001; gnomAD exomes 0.00002 and 0.00008; TOPMed 0.00002; 1000 Genomes Project 30x 0.00016; 1000 Genomes Project 0.00020.
gnomAD v4.1: 121 of 1,614,118 alleles (0.0075%); highest among the groups gnomAD compares: Non-Finnish European, 0.01%; no homozygotes.

Submission:

Labcorp Genetics (formerly Invitae), Labcorp
Classification: Uncertain significance. Last evaluated: 2024-06-20. Review status: criteria provided, single submitter. Criteria: Invitae Variant Classification Sherloc (09022015). Collection method: clinical testing. Allele origin: germline.
Comment: This sequence change replaces proline, which is neutral and non-polar, with alanine, which is neutral and non-polar, at codon 670 of the SLC4A1 protein (p.Pro670Ala). This variant is present in population databases (rs199929662, gnomAD 0.004%). This variant has not been reported in the literature in individuals affected with SLC4A1-related conditions. ClinVar contains an entry for this variant (Variation ID: 1500042). Advanced modeling of protein sequence and biophysical properties (such as structural, functional, and spatial information, amino acid conservation, physicochemical variation, residue mobility, and thermodynamic stability) performed at Invitae indicates that this missense variant is not expected to disrupt SLC4A1 protein function with a negative predictive value of 80%. In summary, the available evidence is currently insufficient to determine the role of this variant in disease. Therefore, it has been classified as a Variant of Uncertain Significance.